The following is an entry in ClinVar:

ClinVar aggregate classification (germline): Uncertain significance. Review status: criteria provided, multiple submitters, no conflicts (2 of 4 stars). 2 submissions from 2 submitters: Uncertain significance (2). Last evaluated 2023-01-11.

gnomAD v4.1: 17 of 1,607,428 alleles (0.0011%); highest among the groups gnomAD compares: Non-Finnish European, 0.0014%; no homozygotes.

Submissions (2):

Blueprint Genetics
Classification: Uncertain significance. Last evaluated: 2023-01-11. Review status: criteria provided, single submitter. Criteria: ACMG Guidelines, 2015. Collection method: clinical testing. Allele origin: germline.

Labcorp Genetics (formerly Invitae), Labcorp
Classification: Uncertain significance. Last evaluated: 2022-04-04. Review status: criteria provided, single submitter. Criteria: Invitae Variant Classification Sherloc (09022015). Collection method: clinical testing. Allele origin: germline.
Comment: Advanced modeling of protein sequence and biophysical properties (such as structural, functional, and spatial information, amino acid conservation, physicochemical variation, residue mobility, and thermodynamic stability) performed at Invitae indicates that this missense variant is expected to disrupt COL11A1 protein function. This sequence change replaces glycine, which is neutral and non-polar, with aspartic acid, which is acidic and polar, at codon 1441 of the COL11A1 protein (p.Gly1441Asp). This variant is not present in population databases (gnomAD no frequency). This variant has not been reported in the literature in individuals affected with COL11A1-related conditions. In summary, the available evidence is currently insufficient to determine the role of this variant in disease. Therefore, it has been classified as a Variant of Uncertain Significance.

NM_001854.4(COL11A1):c.4322G>A (p.Gly1441Asp)

Gene: COL11A1 (collagen type XI alpha 1 chain; minus strand). Cytogenetic location: 1p21.1.
Variant type: single nucleotide variant.
Coding change: c.4322G>A on transcript NM_001854.4 (MANE Select); coding-DNA position 4322, G replaced by A.
Protein change: p.Gly1441Asp; replaces glycine 1441 with aspartic acid.
Molecular consequence: missense variant. On other transcripts: non-coding transcript variant (1).
Genome position (GRCh38, 1-based): chr1:102,890,485, C>T on the plus strand (G>A on the coding strand, the complement: COL11A1 is on the minus strand). VCF-style: chr1-102890485-C-T. GRCh37 (hg19) VCF-style: chr1-103356041-C-T.
Other names: c.3974G>A, p.Gly1325Asp (NM_001168249.1, NM_080630.4); c.4205G>A, p.Gly1402Asp (NM_001190709.2); c.4358G>A, p.Gly1453Asp (NM_080629.3); short protein forms G1402D, G1453D, G1325D, G1441D.
Identifiers: ClinVar variation 1928363 (VCV001928363.6), dbSNP rs2524263633, ClinGen allele CA341212884.